The following is an entry in ClinVar:

ClinVar aggregate classification (germline): Pathogenic/Likely pathogenic. Review status: criteria provided, multiple submitters, no conflicts (2 of 4 stars). 6 submissions from 6 submitters: Pathogenic (1); Likely pathogenic (3). 2 of the submissions do not count toward it. Last evaluated 2025-06-09.

Conditions:
Nemaline myopathy 2 (NEM2). Also called: Nemaline myopathy 2, autosomal recessive. Identifiers: MedGen C1850569, MONDO:0009725, OMIM 256030.
Arthrogryposis multiplex congenita 6. Identifiers: MedGen C5543431, MONDO:0030281, OMIM 619334.
Nemaline myopathy. Also called: Myopathies, Nemaline. Identifiers: Orphanet 607, MedGen C0206157, MONDO:0018958.

Allele frequency attached by ClinVar (database versions not stated): gnomAD exomes below 0.00001.
gnomAD v4.1: 2 of 1,573,466 alleles (0.00013%); highest among the groups gnomAD compares: Non-Finnish European, 0.00017%; no homozygotes.

Submissions (6):

Natera, Inc.
Classification: Likely pathogenic for Nemaline myopathy type 2. Last evaluated: 2025-06-09. Review status: criteria provided, single submitter. Criteria: Natera Variant Classification Schema (03/2026). Collection method: clinical testing. Allele origin: germline.
Comment: The c.3874A>G variant in NEB is a missense variant predicted to cause substitution of serine to glycine at amino acid 1292. This variant is rare in the general population with a frequency below the threshold expected for the associated phenotype(s). This variant has been observed in one or more individuals affected with the associated recessive disease, as either homozygous or compound heterozygous with a second variant (PMID: 25473036). Additionally, this variant has been observed to segregate in affected family members (PMID: 25473036). Computational prediction algorithms indicate this variant is likely to affect gene or protein function. Given the available evidence, this variant is classified as Likely Pathogenic.

Broad Center for Mendelian Genomics, Broad Institute of MIT and Harvard
Classification: Likely pathogenic for Nemaline myopathy. Last evaluated: 2025-03-20. Review status: criteria provided, single submitter. Criteria: ACMG Guidelines, 2015. Collection method: curation. Allele origin: germline. Inheritance: Autosomal recessive inheritance.
Comment: The p.Ser1292Gly variant in NEB has been reported, in the compound heterozygous state, in 1 individual with nemaline myopathy, segregated with disease in 2 affected relatives (PMID: 25473036), and has been identified in 0.0002% (2/1152484) of European (non-Finnish) chromosomes by the Genome Aggregation Database (gnomAD; dbSNP ID: rs1553521537). Although this variant has been seen in the general population in a heterozygous state, its frequency is low enough to be consistent with a recessive carrier frequency. This variant has also been reported in ClinVar (Variation ID: 551937) and has been interpreted as pathogenic by Invitae and a variant of uncertain significance by Counsyl and Baylor Genetics. Computational prediction tools and conservation analyses suggest that this variant may impact the protein, though this information is not predictive enough to determine pathogenicity. In summary, although additional studies are required to fully establish its clinical significance, this variant is likely pathogenic for autosomal recessive nemaline myopathy. ACMG/AMP Criteria applied: PP3_moderate, PM3, PP1, PM2_supporting (Richards 2015).

Fulgent Genetics
Classification: Likely pathogenic for Nemaline myopathy 2; Arthrogryposis multiplex congenita 6. Last evaluated: 2024-01-29. Review status: criteria provided, single submitter. Criteria: ACMG Guidelines, 2015. Collection method: clinical testing. Allele origin: germline.

Labcorp Genetics (formerly Invitae), Labcorp
Classification: Pathogenic for Nemaline myopathy 2. Last evaluated: 2022-06-28. Review status: criteria provided, single submitter. Criteria: Invitae Variant Classification Sherloc (09022015). Collection method: clinical testing. Allele origin: germline.
Comment: This variant is not present in population databases (gnomAD no frequency). For these reasons, this variant has been classified as Pathogenic. Algorithms developed to predict the effect of sequence changes on RNA splicing suggest that this variant may create or strengthen a splice site. Algorithms developed to predict the effect of missense changes on protein structure and function are either unavailable or do not agree on the potential impact of this missense change (SIFT: "Deleterious"; PolyPhen-2: "Not Available"; Align-GVGD: "Class C0"). ClinVar contains an entry for this variant (Variation ID: 551937). This missense change has been observed in individual(s) with nemaline myopathy 2 (PMID: 25473036). In at least one individual the data is consistent with being in trans (on the opposite chromosome) from a pathogenic variant. It has also been observed to segregate with disease in related individuals. This sequence change replaces serine, which is neutral and polar, with glycine, which is neutral and non-polar, at codon 1292 of the NEB protein (p.Ser1292Gly).

Counsyl
Classification: Uncertain significance for Nemaline myopathy 2. Last evaluated: 2017-05-19. Review status: no assertion criteria provided. Collection method: clinical testing. Allele origin: unknown. Not counted in ClinVar's aggregate classification.

Baylor Genetics
Classification: Uncertain significance for Arthrogryposis multiplex congenita 6. Last evaluated: 2023-05-18. Review status: flagged submission. Criteria: ACMG Guidelines, 2015. Collection method: clinical testing. Allele origin: unknown. Not counted in ClinVar's aggregate classification.
ClinVar note: Reason: Outlier claim with insufficient supporting evidence

Literature cited by the submitters: PubMed 25473036 (cited by 3 submitters); PubMed 25205138 (cited by Counsyl).

NM_001164508.2(NEB):c.3874A>G (p.Ser1292Gly)

Gene: NEB (nebulin; minus strand). Cytogenetic location: 2q23.3.
Variant type: single nucleotide variant.
Coding change: c.3874A>G on transcript NM_001164508.2 (MANE Select); coding-DNA position 3874, A replaced by G.
Protein change: p.Ser1292Gly; replaces serine 1292 with glycine.
Molecular consequence: missense variant.
Genome position (GRCh38, 1-based): chr2:151,675,292, T>C on the plus strand (A>G on the coding strand, the complement: NEB is on the minus strand). VCF-style: chr2-151675292-T-C. GRCh37 (hg19) VCF-style: chr2-152531806-T-C.
Other names: NM_001164508.2(NEB):c.3874A>G; p.Ser1292Gly; c.3874A>G, p.Ser1292Gly (NM_001164507.2, NM_001271208.2, NM_004543.5); short protein forms S1292G.
Identifiers: ClinVar variation 551937 (VCV000551937.14), dbSNP rs1553521537, ClinGen allele CA348817869.
Genomic context (GRCh38, chr2:151,675,292, plus strand): 5'-TCTATAATTTTATTGTCAGGTCCGAATTTCACATCCCAGCAAAGACCCTACTTACGTCAC[T>C]TATATTGTAAGCATTGCACTTGGCCTGGAGAAACTGAGGAAGATCAGGACTCATGGTGTA-3'
Protein context (NP_001157980.2, residues 1282-1302): LQAKCNAYNI[Ser1292Gly]DVCYKRDWYD